The following is an entry in ClinVar:

ClinVar aggregate classification (germline): Uncertain significance (1 of 4 stars; one submission).

Submission:

Ambry Genetics
Classification: Uncertain significance. Last evaluated: 2024-11-11. Review status: criteria provided, single submitter. Criteria: Ambry Variant Classification Scheme 2023. Collection method: clinical testing. Allele origin: germline.
Comment: The p.I624M variant (also known as c.1872T>G), located in coding exon 17 of the PRKDC gene, results from a T to G substitution at nucleotide position 1872. The isoleucine at codon 624 is replaced by methionine, an amino acid with highly similar properties. This amino acid position is conserved. In addition, this alteration is predicted to be tolerated by in silico analysis. Based on the available evidence, the clinical significance of this variant remains unclear.

NM_006904.7(PRKDC):c.1872T>G (p.Ile624Met)

Gene: PRKDC (protein kinase, DNA-activated, catalytic subunit; minus strand). Cytogenetic location: 8q11.21.
Variant type: single nucleotide variant.
Coding change: c.1872T>G on transcript NM_006904.7 (MANE Select); coding-DNA position 1872, T replaced by G.
Protein change: p.Ile624Met; replaces isoleucine 624 with methionine.
Molecular consequence: missense variant.
Genome position (GRCh38, 1-based): chr8:47,930,692, A>C on the plus strand (T>G on the coding strand, the complement: PRKDC is on the minus strand). VCF-style: chr8-47930692-A-C. GRCh37 (hg19) VCF-style: chr8-48843252-A-C.
Other names: c.1872T>G, p.Ile624Met (NM_001081640.2); short protein forms I624M.
Identifiers: ClinVar variation 3425401 (VCV003425401.1).